The following is an entry in ClinVar:

ClinVar aggregate classification (germline): Pathogenic. Review status: criteria provided, multiple submitters, no conflicts (2 of 4 stars). 3 submissions from 3 submitters: Pathogenic (3). Last evaluated 2025-01-28.

Conditions:
RASopathy. Also called: Noonan spectrum disorder; rasopathies. Identifiers: Orphanet 536391, MedGen C5555857, MONDO:0021060.
Noonan syndrome 1 (NS1). Also called: FEMALE PSEUDO-TURNER SYNDROME; PTPN11-Related Noonan Syndrome; TURNER PHENOTYPE WITH NORMAL KARYOTYPE. Identifiers: Orphanet 648, MedGen C4551602, MONDO:0008104, OMIM 163950. Disease mechanism: gain of function.

gnomAD v4.1: 2 of 1,613,346 alleles (0.00012%); highest among the groups gnomAD compares: Non-Finnish European, 0.00017%; no homozygotes.

Submissions (3):

Labcorp Genetics (formerly Invitae), Labcorp
Classification: Pathogenic for RASopathy. Last evaluated: 2025-01-28. Review status: criteria provided, single submitter. Criteria: Invitae Variant Classification Sherloc (09022015). Collection method: clinical testing. Allele origin: germline.
Comment: This sequence change replaces aspartic acid, which is acidic and polar, with valine, which is neutral and non-polar, at codon 61 of the PTPN11 protein (p.Asp61Val). This variant is not present in population databases (gnomAD no frequency). This missense change has been observed in individual(s) with acute myeloid leukemia, myelodysplastic syndrome, juvenile myelomonocytic leukemia (JMML) and/or PTPN11-related disease (PMID: 12717436, 14982869, 15928039, 18470943, 23832011, 25097206; internal data). In at least one individual the variant was observed to be de novo. ClinVar contains an entry for this variant (Variation ID: 40496). Invitae Evidence Modeling of protein sequence and biophysical properties (such as structural, functional, and spatial information, amino acid conservation, physicochemical variation, residue mobility, and thermodynamic stability) indicates that this missense variant is expected to disrupt PTPN11 protein function with a positive predictive value of 95%. Experimental studies have shown that this missense change affects PTPN11 function (PMID: 15644411, 17053061). This variant disrupts the p.Asp61 amino acid residue in PTPN11. Other variant(s) that disrupt this residue have been determined to be pathogenic (PMID: 11704759, 11992261, 15273746, 15521065, 15987685, 16377799, 19008228, 19835954, 19927903, 20112233, 20651068, 22371576, 24628801, 24718990, 24803665, 25039348, 25383899, 26242988, 27521173, 28366775). This suggests that this residue is clinically significant, and that variants that disrupt this residue are likely to be disease-causing. For these reasons, this variant has been classified as Pathogenic.

3billion
Classification: Pathogenic for Noonan syndrome 1. Last evaluated: 2024-11-05. Review status: criteria provided, single submitter. Criteria: ACMG Guidelines, 2015. Collection method: clinical testing. Allele origin: germline. Affected: yes.
Comment: The variant is observed at an extremely low frequency in the gnomAD v4.1.0 dataset (total allele frequency: <0.001%). Predicted Consequence/Location: The variant is located in a mutational hot spot and/or well-established functional domain in which established pathogenic variants have been reported. Missense variant. Missense changes are a common disease-causing mechanism. In silico tool predictions suggest damaging effect of the variant on gene or gene product [REVEL: 0.98 (>=0.6, sensitivity 0.68 and specificity 0.92); 3Cnet: 1.00 (> 0.75, sensitivity 0.96 and precision 0.92)]. The same nucleotide change resulting in the same amino acid change has been previously reported as pathogenic/likely pathogenic with strong evidence (ClinVar ID: VCV000040496 / PMID: 34358384). Different missense changes at the same codon (p.Asp61Ala, p.Asp61Asn, p.Asp61Gly, p.Asp61His, p.Asp61Tyr) have been reported as pathogenic/likely pathogenic with strong evidence (ClinVar ID: VCV000013330, VCV000040494, VCV000040495, VCV000179221, VCV000228392, VCV000372703 / PMID: 11704759, 11992261, 19927903, 20112233 / 3billion dataset).Therefore, this variant is classified as Pathogenic according to the recommendation of ACMG/AMP guideline.

Women's Health and Genetics/Laboratory Corporation of America, LabCorp
Classification: Pathogenic for RASopathy. Last evaluated: 2023-11-07. Review status: criteria provided, single submitter. Criteria: LabCorp Variant Classification Summary - May 2015. Collection method: clinical testing. Allele origin: germline.
Comment: Variant summary: PTPN11 c.182A>T (p.Asp61Val) results in a non-conservative amino acid change located in the SH2 domain of the encoded protein sequence. Five of five in-silico tools predict a damaging effect of the variant on protein function. The variant was absent in 251014 control chromosomes. c.182A>T has been reported in the literature in individuals affected with Noonan Syndrome, as well as patients with JMML, AML, and other Noonan syndrome-related phenotypes (ie. Mohan_2022, Tartaglia_2004, Kratz_2005, etc). D61V confers a gain of function to the Ptpn11 protein as demonstrated by increased macrophage progenitor proliferation and colony formation (Chan_2005), hypersensitivity to ligand stimulation and increased Erk phosphorylation (Chan_2005), and elevated basal phosphatase activity in cultured cells (PMID: 30375388). Several other variants affecting the same codon have been reported as pathogenic/likely pathogenic (p.Asp61Asn, p.Asp61Tyr, p.Asp61His, p.Asp61Gly, p.Asp61Ala). One submitter has cited clinical-significance assessments for this variant to ClinVar after 2014 and has classified the variant as pathogenic. Based on the evidence outlined above, the variant was classified as pathogenic.

Literature cited by the submitters: PubMed 12717436 (cited by Labcorp Genetics (formerly Invitae), Labcorp); PubMed 14982869 (cited by Labcorp Genetics (formerly Invitae), Labcorp and Women's Health and Genetics/Laboratory Corporation of America, LabCorp); PubMed 15928039 (cited by Labcorp Genetics (formerly Invitae), Labcorp and Women's Health and Genetics/Laboratory Corporation of America, LabCorp); PubMed 18470943 (cited by Labcorp Genetics (formerly Invitae), Labcorp); PubMed 23832011 (cited by Labcorp Genetics (formerly Invitae), Labcorp); PubMed 25097206 (cited by Labcorp Genetics (formerly Invitae), Labcorp and Women's Health and Genetics/Laboratory Corporation of America, LabCorp); PubMed 15644411 (cited by Labcorp Genetics (formerly Invitae), Labcorp and Women's Health and Genetics/Laboratory Corporation of America, LabCorp); PubMed 17053061 (cited by Labcorp Genetics (formerly Invitae), Labcorp); PubMed 11704759 (cited by Labcorp Genetics (formerly Invitae), Labcorp and 3billion); PubMed 11992261 (cited by Labcorp Genetics (formerly Invitae), Labcorp); PubMed 15273746 (cited by Labcorp Genetics (formerly Invitae), Labcorp); PubMed 15521065 (cited by Labcorp Genetics (formerly Invitae), Labcorp); PubMed 15987685 (cited by Labcorp Genetics (formerly Invitae), Labcorp); PubMed 16377799 (cited by Labcorp Genetics (formerly Invitae), Labcorp); PubMed 19008228 (cited by Labcorp Genetics (formerly Invitae), Labcorp); PubMed 19835954 (cited by Labcorp Genetics (formerly Invitae), Labcorp); PubMed 19927903 (cited by Labcorp Genetics (formerly Invitae), Labcorp); PubMed 20112233 (cited by Labcorp Genetics (formerly Invitae), Labcorp); PubMed 20651068 (cited by Labcorp Genetics (formerly Invitae), Labcorp); PubMed 22371576 (cited by Labcorp Genetics (formerly Invitae), Labcorp); PubMed 24628801 (cited by Labcorp Genetics (formerly Invitae), Labcorp); PubMed 24718990 (cited by Labcorp Genetics (formerly Invitae), Labcorp); PubMed 24803665 (cited by Labcorp Genetics (formerly Invitae), Labcorp); PubMed 25039348 (cited by Labcorp Genetics (formerly Invitae), Labcorp); PubMed 25383899 (cited by Labcorp Genetics (formerly Invitae), Labcorp); PubMed 26242988 (cited by Labcorp Genetics (formerly Invitae), Labcorp); PubMed 27521173 (cited by Labcorp Genetics (formerly Invitae), Labcorp); PubMed 28366775 (cited by Labcorp Genetics (formerly Invitae), Labcorp); PubMed 34358384 (cited by 3billion and Women's Health and Genetics/Laboratory Corporation of America, LabCorp); PubMed 15385933 (cited by Women's Health and Genetics/Laboratory Corporation of America, LabCorp); PubMed 14644997 (cited by Women's Health and Genetics/Laboratory Corporation of America, LabCorp); PubMed 19047918 (cited by Women's Health and Genetics/Laboratory Corporation of America, LabCorp); PubMed 19179468 (cited by Women's Health and Genetics/Laboratory Corporation of America, LabCorp); PubMed 17972951 (cited by Women's Health and Genetics/Laboratory Corporation of America, LabCorp); PubMed 15710330 (cited by Women's Health and Genetics/Laboratory Corporation of America, LabCorp); PubMed 25395418 (cited by Women's Health and Genetics/Laboratory Corporation of America, LabCorp); PubMed 27276561 (cited by Women's Health and Genetics/Laboratory Corporation of America, LabCorp); PubMed 32561839 (cited by Women's Health and Genetics/Laboratory Corporation of America, LabCorp); PubMed 27069254 (cited by Women's Health and Genetics/Laboratory Corporation of America, LabCorp).

NM_002834.5(PTPN11):c.182A>T (p.Asp61Val)

Gene: PTPN11 (protein tyrosine phosphatase non-receptor type 11; plus strand). Cytogenetic location: 12q24.13.
Variant type: single nucleotide variant.
Coding change: c.182A>T on transcript NM_002834.5 (MANE Select); coding-DNA position 182, A replaced by T.
Protein change: p.Asp61Val; replaces aspartic acid 61 with valine.
Molecular consequence: missense variant.
Genome position (GRCh38, 1-based): chr12:112,450,362, A>T. VCF-style: chr12-112450362-A-T. GRCh37 (hg19) VCF-style: chr12-112888166-A-T.
Other names: c.182A>T, p.Asp61Val (NM_001330437.2, NM_080601.3); c.179A>T, p.Asp60Val (NM_001374625.1); short protein forms D61V, D60V.
Identifiers: ClinVar variation 40496 (VCV000040496.13), dbSNP rs121918461, ClinGen allele CA282073.
Genomic context (GRCh38, chr12:112,450,362, plus strand): 5'-CAATGGACTATTTTAGAAGAAATGGAGCTGTCACCCACATCAAGATTCAGAACACTGGTG[A>T]TTACTATGACCTGTATGGAGGGGAGAAATTTGCCACTTTGGCTGAGTTGGTCCAGTATTA-3'
Protein context (NP_002825.3, residues 51-71): VTHIKIQNTG[Asp61Val]YYDLYGGEKF